The following is an entry in ClinVar:

NM_139058.3(ARX):c.306GGC[6] (p.Ala112_Ala115del)

Genes: ARX (aristaless related homeobox; minus strand), LOC109610631 (aristaless related homeobox polyalanine expansion region; plus strand). Cytogenetic location: Xp21.3.
Variant type: Microsatellite.
Coding change: c.306GGC[6] on transcript NM_139058.3 (MANE Select); six copies in a row of the 3-base unit GGC starting at c.306; the reference has ten copies in a row; four copies, 12 bases deleted.
Protein change: p.Ala112_Ala115del.
Molecular consequence: inframe deletion.
Genome position (GRCh38, 1-based): chrX:25,013,660-25,013,671, GCCGCCGCCGCC deleted on the plus strand (GGCGGCGGCGGC on the coding strand, the reverse complement: ARX is on the minus strand); deleting any 12 consecutive bases within chrX:25,013,660-25,013,691 gives the same sequence; the position shown is the placement nearest the transcript's 3' end. VCF-style (leftmost placement, unchanged base first): chrX-25013659-TGCCGCCGCCGCC-T. GRCh37 (hg19) VCF-style: chrX-25031776-TGCCGCCGCCGCC-T.
Other names: c.324_335delGGCGGCGGCGGC (NM_139058.2).
Identifiers: ClinVar variation 195400 (VCV000195400.36), dbSNP rs387906492, ClinGen allele CA241825.

ClinVar aggregate classification (germline): Conflicting classifications of pathogenicity. Review status: criteria provided, conflicting classifications (1 of 4 stars). 5 submissions from 5 submitters: Uncertain significance (2); Likely benign (3). Last evaluated 2025-12-08.

Conditions:
Developmental and epileptic encephalopathy, 1 (DEE1). Also called: West's syndrome; Tonic spasms with clustering, arrest of psychomotor development and hypsarrhythmia on EEG; X-Linked Infantile Spasm Syndrome; X-linked infantile spasms; INFANTILE SPASM SYNDROME, X-LINKED 1; Epileptic encephalopathy, early infantile, 1. Identifiers: MedGen C3463992, MONDO:0010632, OMIM 308350. Disease mechanism: loss of function.
Intellectual disability, X-linked, with or without seizures, ARX-related. Also called: INTELLECTUAL DEVELOPMENTAL DISORDER, X-LINKED 29; Mental retardation, X-linked 52; MENTAL RETARDATION, X-LINKED 29; MENTAL RETARDATION, X-LINKED 32; MENTAL RETARDATION, X-LINKED 33; MENTAL RETARDATION, X-LINKED 38. Identifiers: Orphanet 777, MedGen C0796244, MONDO:0010317, OMIM 300419.
Inborn genetic diseases. Identifiers: MedGen C0950123, MeSH D030342.

Submissions (5):

Labcorp Genetics (formerly Invitae), Labcorp
Classification: Uncertain significance for Developmental and epileptic encephalopathy, 1; Intellectual disability, X-linked, with or without seizures, ARX-related. Last evaluated: 2025-12-08. Review status: criteria provided, single submitter. Criteria: Invitae Variant Classification Sherloc (09022015). Collection method: clinical testing. Allele origin: germline.
Comment: This variant, c.324_335del, results in the deletion of 4 amino acid(s) of the ARX protein (p.Ala112_Ala115del), but otherwise preserves the integrity of the reading frame. The frequency data for this variant in the population databases is considered unreliable, as metrics indicate insufficient coverage at this position in the gnomAD database. This variant has not been reported in the literature in individuals affected with ARX-related conditions. ClinVar contains an entry for this variant (Variation ID: 195400). Experimental studies and prediction algorithms are not available or were not evaluated, and the functional significance of this variant is currently unknown. In summary, the available evidence is currently insufficient to determine the role of this variant in disease. Therefore, it has been classified as a Variant of Uncertain Significance.

CeGaT Center for Human Genetics Tuebingen
Classification: Likely benign. Last evaluated: 2024-05-01. Review status: criteria provided, single submitter. Criteria: CeGaT Center For Human Genetics Tuebingen Variant Classification Criteria Version 2. Collection method: clinical testing. Allele origin: germline. Affected: yes. Observed: 1 variant allele.
Comment: ARX: BS2

GeneDx
Classification: Likely benign. Last evaluated: 2022-11-29. Review status: criteria provided, single submitter. Criteria: GeneDx Variant Classification Process June 2021. Collection method: clinical testing. Allele origin: germline. Affected: yes.
Comment: See Variant Classification Assertion Criteria.

Eurofins Ntd Llc (ga)
Classification: Uncertain significance. Last evaluated: 2018-09-04. Review status: criteria provided, single submitter. Criteria: EGL ClinVar v180209 classification definitions. Collection method: clinical testing. Allele origin: germline. Observed: 2 variant alleles, 1 heterozygote, 1 hemizygote.

Ambry Genetics
Classification: Likely benign for Inborn genetic diseases. Last evaluated: 2017-10-27. Review status: criteria provided, single submitter. Criteria: Ambry Variant Classification Scheme 2023. Collection method: clinical testing. Allele origin: germline.